The following is an entry in ClinVar:

NM_000501.4(ELN):c.1020_1049dup (p.Gly350_Ile351insValProGlyValGlyValProGlyAlaGly)

Gene: ELN (elastin; plus strand). Cytogenetic location: 7q11.23.
Variant type: Duplication.
Coding change: c.1020_1049dup on transcript NM_000501.4 (MANE Select); coding-DNA positions 1020 to 1049, 30 bases duplicated (CGTTCCAGGTGTTGGTGTCCCAGGAGCTGG).
Protein change: p.Gly350_Ile351insValProGlyValGlyValProGlyAlaGly.
Molecular consequence: inframe insertion.
Genome position (GRCh38, 1-based): chr7:74,053,233-74,053,262, CGTTCCAGGTGTTGGTGTCCCAGGAGCTGG duplicated; duplicating any 30 consecutive bases within chr7:74,053,213-74,053,262 gives the same sequence; the c. name uses the placement nearest the transcript's 3' end. VCF-style (leftmost placement, unchanged base first): chr7-74053212-A-AGTTGGTGTCCCAGGAGCTGGCGTTCCAGGT. GRCh37 (hg19) VCF-style: chr7-73467542-A-AGTTGGTGTCCCAGGAGCTGGCGTTCCAGGT.
Other names: c.990_1019dup, p.Gly340_Ile341insValProGlyValGlyValProGlyAlaGly (NM_001081752.3, NM_001278917.2); c.1035_1064dup, p.Gly355_Ile356insValProGlyValGlyValProGlyAlaGly (NM_001081753.3, NM_001081754.3); c.1020_1049dup, p.Gly350_Ile351insValProGlyValGlyValProGlyAlaGly (NM_001081755.3, NM_001278912.2, NM_001278915.2 and 1 more transcripts); c.912_941dup, p.Gly314_Ile315insValProGlyValGlyValProGlyAlaGly (NM_001278913.2); c.1005_1034dup, p.Gly345_Ile346insValProGlyValGlyValProGlyAlaGly (NM_001278914.2); c.978_1007dup, p.Gly336_Ile337insValProGlyValGlyValProGlyAlaGly (NM_001278916.2); c.888_917dup, p.Gly306_Ile307insValProGlyValGlyValProGlyAlaGly (NM_001278918.2).
Identifiers: ClinVar variation 4806400 (VCV004806400.1).

ClinVar aggregate classification (germline): Uncertain significance (1 of 4 stars; one submission).

Conditions:
Supravalvar aortic stenosis (SVAS). Also called: Supravalvar aortic stenosis, Eisenberg type. Identifiers: Orphanet 3193, MedGen C0003499, MONDO:0008504, OMIM 185500, HP:0004381.

Submission:

Labcorp Genetics (formerly Invitae), Labcorp
Classification: Uncertain significance for Supravalvar aortic stenosis. Last evaluated: 2025-09-22. Review status: criteria provided, single submitter. Criteria: Invitae Variant Classification Sherloc (09022015). Collection method: clinical testing. Allele origin: germline.
Comment: This variant, c.1020_1049dup, results in the insertion of 10 amino acid(s) of the ELN protein (p.Val341_Gly350dup), but otherwise preserves the integrity of the reading frame. This variant is not present in population databases (gnomAD no frequency). This variant has not been reported in the literature in individuals affected with ELN-related conditions. Experimental studies and prediction algorithms are not available or were not evaluated, and the functional significance of this variant is currently unknown. In summary, the available evidence is currently insufficient to determine the role of this variant in disease. Therefore, it has been classified as a Variant of Uncertain Significance.